The following is an entry in ClinVar:

NM_001042492.3(NF1):c.6165C>A (p.Cys2055Ter)

Gene: NF1 (neurofibromin 1; plus strand). Cytogenetic location: 17q11.2.
Variant type: single nucleotide variant.
Coding change: c.6165C>A on transcript NM_001042492.3 (MANE Select); coding-DNA position 6165, C replaced by A.
Protein change: p.Cys2055Ter; replaces cysteine 2055 with a stop codon.
Molecular consequence: nonsense.
Genome position (GRCh38, 1-based): chr17:31,336,652, C>A. VCF-style: chr17-31336652-C-A. GRCh37 (hg19) VCF-style: chr17-29663670-C-A.
Other names: c.6102C>A, p.Cys2034Ter (NM_000267.4); short protein forms C2055*, C2034*.
Identifiers: ClinVar variation 958733 (VCV000958733.6), dbSNP rs2069681958, ClinGen allele CA399011744.

ClinVar aggregate classification (germline): Pathogenic (1 of 4 stars; one submission).

Conditions:
Neurofibromatosis, type 1 (NF1). Also called: Peripheral type neurofibromatosis; VON RECKLINGHAUSEN DISEASE; NEUROFIBROMATOSIS, TYPE I, SOMATIC; Neurofibromatosis, type I. Identifiers: Orphanet 636, MedGen C0027831, MONDO:0018975, OMIM 162200. Disease mechanism: loss of function.

Submission:

Labcorp Genetics (formerly Invitae), Labcorp
Classification: Pathogenic for Neurofibromatosis, type 1. Last evaluated: 2019-10-25. Review status: criteria provided, single submitter. Criteria: Invitae Variant Classification Sherloc (09022015). Collection method: clinical testing. Allele origin: germline.
Comment: For these reasons, this variant has been classified as Pathogenic. Loss-of-function variants in NF1 are known to be pathogenic (PMID: 10712197, 23913538). This variant has been observed in individual(s) with neurofibromatosis type I (PMID: 29914388). This variant is not present in population databases (ExAC no frequency). This sequence change creates a premature translational stop signal (p.Cys2034*) in the NF1 gene. It is expected to result in an absent or disrupted protein product.

Literature cited by the submitters: PubMed 10712197; PubMed 23913538; PubMed 29914388.